The following is an entry in ClinVar:

NM_000179.3(MSH6):c.3964G>C (p.Glu1322Gln)

Gene: MSH6 (mutS homolog 6; plus strand). Cytogenetic location: 2p16.3.
Variant type: single nucleotide variant.
Coding change: c.3964G>C on transcript NM_000179.3 (MANE Select); coding-DNA position 3964, G replaced by C.
Protein change: p.Glu1322Gln; replaces glutamic acid 1322 with glutamine.
Molecular consequence: missense variant.
Genome position (GRCh38, 1-based): chr2:47,806,614, G>C. VCF-style: chr2-47806614-G-C. GRCh37 (hg19) VCF-style: chr2-48033753-G-C.
Other names: c.3574G>C, p.Glu1192Gln (NM_001281492.2); c.3058G>C, p.Glu1020Gln (NM_001281493.2, NM_001281494.2); short protein forms E1192Q, E1322Q, E1020Q.
Identifiers: ClinVar variation 1360162 (VCV001360162.8), dbSNP rs1553333707, ClinGen allele CA346761547.
Genomic context (GRCh38, chr2:47,806,614, plus strand): 5'-GCAGCAAGGCTTGCTAATCTCCCAGAGGAAGTTATTCAAAAGGGACATAGAAAAGCAAGA[G>C]AATTTGAGAAGATGAATCAGTCACTACGATTATTTCGGTAACTAACTAACTATAATGGAA-3'
Protein context (NP_000170.1, residues 1312-1332): VIQKGHRKAR[Glu1322Gln]FEKMNQSLRL

ClinVar aggregate classification (germline): Uncertain significance (1 of 4 stars; one submission).

Conditions:
Hereditary nonpolyposis colorectal neoplasms. Identifiers: MedGen C0009405, MeSH D003123.

Submission:

Labcorp Genetics (formerly Invitae), Labcorp
Classification: Uncertain significance for Hereditary nonpolyposis colorectal neoplasms. Last evaluated: 2021-06-10. Review status: criteria provided, single submitter. Criteria: Invitae Variant Classification Sherloc (09022015). Collection method: clinical testing. Allele origin: germline.
Comment: This variant is not present in population databases (ExAC no frequency). This sequence change replaces glutamic acid with glutamine at codon 1322 of the MSH6 protein (p.Glu1322Gln). The glutamic acid residue is moderately conserved and there is a small physicochemical difference between glutamic acid and glutamine. This variant has not been reported in the literature in individuals with MSH6-related conditions. Advanced modeling of protein sequence and biophysical properties (such as structural, functional, and spatial information, amino acid conservation, physicochemical variation, residue mobility, and thermodynamic stability) performed at Invitae indicates that this missense variant is not expected to disrupt MSH6 protein function. In summary, the available evidence is currently insufficient to determine the role of this variant in disease. Therefore, it has been classified as a Variant of Uncertain Significance.